The following is an entry in ClinVar:

NM_001377265.1(MAPT):c.2100A>G (p.Ile700Met)

Gene: MAPT (microtubule associated protein tau). Cytogenetic location: 17q21.31.
Variant type: single nucleotide variant.
Coding change: c.2100A>G on transcript NM_001377265.1 (MANE Select); coding-DNA position 2100, A replaced by G.
Protein change: p.Ile700Met; replaces isoleucine 700 with methionine.
Molecular consequence: missense variant. On other transcripts: non-coding transcript variant (1).
Genome position (GRCh38, 1-based): chr17:46,014,251, A>G. VCF-style: chr17-46014251-A-G. GRCh37 (hg19) VCF-style: chr17-44091617-A-G.
Other names: c.1929A>G, p.Ile643Met (NM_001123066.4); c.837A>G, p.Ile279Met (NM_001123067.4); c.744A>G, p.Ile248Met (NM_001203251.2, NM_001377267.1); c.831A>G, p.Ile277Met (NM_001203252.2); c.1809A>G, p.Ile603Met (NM_001377266.1); c.657A>G, p.Ile219Met (NM_001377268.1, NM_016841.5); c.924A>G, p.Ile308Met (NM_005910.6); c.750A>G, p.Ile250Met (NM_016834.5); and 1 more; short protein forms I219M, I248M, I250M, I277M, I279M, I308M, I603M, I625M.
Identifiers: ClinVar variation 3392903 (VCV003392903.1).

ClinVar aggregate classification (germline): Uncertain significance (1 of 4 stars; one submission).

Submission:

GeneDx
Classification: Uncertain significance. Last evaluated: 2024-06-26. Review status: criteria provided, single submitter. Criteria: GeneDx Variant Classification Process June 2021. Collection method: clinical testing. Allele origin: germline. Affected: yes.
Comment: Not observed at significant frequency in large population cohorts (gnomAD); In silico analysis supports that this missense variant has a deleterious effect on protein structure/function; Published functional studies did not demonstrate a damaging effect on the distribution of fibril conformers after template-assisted growth (PMID: 24453187); This variant is associated with the following publications: (PMID: 24453187)